The following is an entry in ClinVar:

ClinVar aggregate classification (germline): Pathogenic. Review status: criteria provided, multiple submitters, no conflicts (2 of 4 stars). 2 submissions from 2 submitters: Pathogenic (2). Last evaluated 2026-01-01.

Conditions:
USH2A-related disorder. Also called: USH2A-related disorders; USH2A-related condition. Identifiers: MedGen CN239332.

Submissions (2):

Myriad Genetics, Inc.
Classification: Pathogenic for USH2A-related disorder. Last evaluated: 2026-01-01. Review status: criteria provided, single submitter. Criteria: Myriad Autosomal Dominant, Autosomal Recessive and X-Linked Classification Criteria (2023). Collection method: clinical testing. Allele origin: unknown.
Comment: NM_206933.2(USH2A):c.11955G>A(W3985*) is expected to be pathogenic in the context of USH2A-related disorders. This variant is predicted to lead to an abnormal or absent protein product due to the creation of a premature termination codon in USH2A, a gene where loss-of-function variants are known to be pathogenic. Please note: this variant was assessed in the context of healthy population screening.

Labcorp Genetics (formerly Invitae), Labcorp
Classification: Pathogenic. Last evaluated: 2022-09-12. Review status: criteria provided, single submitter. Criteria: Invitae Variant Classification Sherloc (09022015). Collection method: clinical testing. Allele origin: germline.
Comment: For these reasons, this variant has been classified as Pathogenic. ClinVar contains an entry for this variant (Variation ID: 1393185). This variant has not been reported in the literature in individuals affected with USH2A-related conditions. This variant is not present in population databases (gnomAD no frequency). This sequence change creates a premature translational stop signal (p.Trp3985*) in the USH2A gene. It is expected to result in an absent or disrupted protein product. Loss-of-function variants in USH2A are known to be pathogenic (PMID: 10729113, 10909849, 20507924, 25649381).

Literature cited by the submitters: PubMed 10729113 (cited by Labcorp Genetics (formerly Invitae), Labcorp); PubMed 10909849 (cited by Labcorp Genetics (formerly Invitae), Labcorp); PubMed 20507924 (cited by Labcorp Genetics (formerly Invitae), Labcorp); PubMed 25649381 (cited by Labcorp Genetics (formerly Invitae), Labcorp).

NM_206933.4(USH2A):c.11955G>A (p.Trp3985Ter)

Gene: USH2A (usherin; minus strand). Cytogenetic location: 1q41.
Variant type: single nucleotide variant.
Coding change: c.11955G>A on transcript NM_206933.4 (MANE Select); coding-DNA position 11955, G replaced by A.
Protein change: p.Trp3985Ter; replaces tryptophan 3985 with a stop codon.
Molecular consequence: nonsense.
Genome position (GRCh38, 1-based): chr1:215,728,141, C>T on the plus strand (G>A on the coding strand, the complement: USH2A is on the minus strand). VCF-style: chr1-215728141-C-T. GRCh37 (hg19) VCF-style: chr1-215901483-C-T.
Other names: short protein forms W3985*.
Identifiers: ClinVar variation 1393185 (VCV001393185.7), dbSNP rs942584750, ClinGen allele CA37395261.